The following is an entry in ClinVar:

ClinVar aggregate classification (germline): Uncertain significance (1 of 4 stars; one submission).

gnomAD v4.1: 1 of 1,609,240 alleles (0.000062%); highest among the groups gnomAD compares: Non-Finnish European, 0.000085%; no homozygotes.

Submission:

Labcorp Genetics (formerly Invitae), Labcorp
Classification: Uncertain significance. Last evaluated: 2026-01-18. Review status: criteria provided, single submitter. Criteria: Invitae Variant Classification Sherloc (09022015). Collection method: clinical testing. Allele origin: germline.
Comment: This sequence change replaces proline, which is neutral and non-polar, with threonine, which is neutral and polar, at codon 569 of the COL11A1 protein (p.Pro569Thr). This variant is not present in population databases (gnomAD no frequency). This variant has not been reported in the literature in individuals affected with COL11A1-related conditions. Invitae Evidence Modeling of protein sequence and biophysical properties (such as structural, functional, and spatial information, amino acid conservation, physicochemical variation, residue mobility, and thermodynamic stability) indicates that this missense variant is not expected to disrupt COL11A1 protein function with a negative predictive value of 80%. In summary, the available evidence is currently insufficient to determine the role of this variant in disease. Therefore, it has been classified as a Variant of Uncertain Significance.

NM_001854.4(COL11A1):c.1705C>A (p.Pro569Thr)

Gene: COL11A1 (collagen type XI alpha 1 chain; minus strand). Cytogenetic location: 1p21.1.
Variant type: single nucleotide variant.
Coding change: c.1705C>A on transcript NM_001854.4 (MANE Select); coding-DNA position 1705, C replaced by A.
Protein change: p.Pro569Thr; replaces proline 569 with threonine.
Molecular consequence: missense variant. On other transcripts: non-coding transcript variant (1).
Genome position (GRCh38, 1-based): chr1:103,006,294, G>T on the plus strand (C>A on the coding strand, the complement: COL11A1 is on the minus strand). VCF-style: chr1-103006294-G-T. GRCh37 (hg19) VCF-style: chr1-103471850-G-T.
Other names: c.1588C>A, p.Pro530Thr (NM_001190709.2); c.1741C>A, p.Pro581Thr (NM_080629.3); c.1357C>A, p.Pro453Thr (NM_080630.4); short protein forms P569T, P581T, P530T, P453T.
Identifiers: ClinVar variation 4742252 (VCV004742252.1).